The following is an entry in ClinVar:

NM_006231.4(POLE):c.389A>C (p.Lys130Thr)

Gene: POLE (DNA polymerase epsilon, catalytic subunit; minus strand). Cytogenetic location: 12q24.33.
Variant type: single nucleotide variant.
Coding change: c.389A>C on transcript NM_006231.4 (MANE Select); coding-DNA position 389, A replaced by C.
Protein change: p.Lys130Thr; replaces lysine 130 with threonine.
Molecular consequence: missense variant.
Genome position (GRCh38, 1-based): chr12:132,679,988, T>G on the plus strand (A>C on the coding strand, the complement: POLE is on the minus strand). VCF-style: chr12-132679988-T-G. GRCh37 (hg19) VCF-style: chr12-133256574-T-G.
Other names: short protein forms K130T.
Identifiers: ClinVar variation 1735965 (VCV001735965.2), dbSNP rs2542190460, ClinGen allele CA387368068.

ClinVar aggregate classification (germline): Uncertain significance (1 of 4 stars; one submission).

Conditions:
Hereditary cancer-predisposing syndrome. Also called: Neoplastic Syndromes, Hereditary; Tumor predisposition; Hereditary Cancer Syndrome; Hereditary neoplastic syndrome. Identifiers: Orphanet 140162, MedGen C0027672, MeSH D009386, MONDO:0015356.

Submission:

Ambry Genetics
Classification: Uncertain significance for Hereditary cancer-predisposing syndrome. Last evaluated: 2021-09-02. Review status: criteria provided, single submitter. Criteria: Ambry Variant Classification Scheme 2023. Collection method: clinical testing. Allele origin: germline.
Comment: The p.K130T variant (also known as c.389A>C), located in coding exon 5 of the POLE gene, results from an A to C substitution at nucleotide position 389. The lysine at codon 130 is replaced by threonine, an amino acid with similar properties. This amino acid position is conserved. In addition, this alteration is predicted to be tolerated by in silico analysis. Since supporting evidence is limited at this time, the clinical significance of this alteration remains unclear.